The following is an entry in ClinVar:

NM_000501.4(ELN):c.1884C>T (p.Ala628=)

Gene: ELN (elastin; plus strand). Cytogenetic location: 7q11.23.
Variant type: single nucleotide variant.
Coding change: c.1884C>T on transcript NM_000501.4 (MANE Select); coding-DNA position 1884, C replaced by T.
Protein change: p.Ala628=; no amino-acid change (alanine 628 retained).
Molecular consequence: synonymous variant.
Genome position (GRCh38, 1-based): chr7:74,063,335, C>T. VCF-style: chr7-74063335-C-T. GRCh37 (hg19) VCF-style: chr7-73477665-C-T.
Other names: c.1797C>T, p.Ala599= (NM_001081752.3); c.1842C>T, p.Ala614= (NM_001081753.3); c.1899C>T, p.Ala633= (NM_001081754.3); c.1827C>T, p.Ala609= (NM_001081755.3); c.1884C>T, p.Ala628= (NM_001278912.2); c.1641C>T, p.Ala547= (NM_001278913.2); c.1812C>T, p.Ala604= (NM_001278914.2); c.1902C>T, p.Ala634= (NM_001278915.2); and 5 more.
Identifiers: ClinVar variation 696295 (VCV000696295.16), dbSNP rs372315353, ClinGen allele CA4293278.
Genomic context (GRCh38, chr7:74,063,335, plus strand): 5'-CAGAGTGCCTCCCTGAACTCGGTCTGTGTTCCCAGGAGCCGGACCCGCCGCCGCCGCTGC[C>T]GCAGCCAAAGCTGCTGCCAAAGCCGCCCAGTTTGGTGAGCACTGGGTGGAGGTGGGAGCT-3'
Protein context (NP_000492.2, residues 618-638): VVGAGPAAAA[Ala628=]AAKAAAKAAQ

ClinVar aggregate classification (germline): Conflicting classifications of pathogenicity. Review status: criteria provided, conflicting classifications (1 of 4 stars). 6 submissions from 6 submitters: Uncertain significance (1); Likely benign (3). 2 of the submissions do not count toward it. Last evaluated 2026-01-26.

Conditions:
Supravalvar aortic stenosis (SVAS). Also called: Supravalvar aortic stenosis, Eisenberg type. Identifiers: Orphanet 3193, MedGen C0003499, MONDO:0008504, OMIM 185500, HP:0004381.
Cutis laxa, autosomal dominant 1 (ADCL1). Also called: ELN-Related Cutis Laxa. Identifiers: Orphanet 90348, MedGen C3276539, MONDO:0007411, OMIM 123700. Disease mechanism: Dominant Negative.

Allele frequency attached by ClinVar (database versions not stated): 1000 Genomes Project 30x 0.00016; ESP Exome Variant Server 0.00017; 1000 Genomes Project 0.00020; gnomAD 0.00029 and 0.00031; gnomAD exomes 0.00029 and 0.00037; ExAC 0.00033; TOPMed 0.00042.
gnomAD v4.1: 550 of 1,550,842 alleles (0.035%); highest among the groups gnomAD compares: African/African-American, 0.071%; 2 homozygotes.

Submissions (6):

Labcorp Genetics (formerly Invitae), Labcorp
Classification: Likely benign for Supravalvar aortic stenosis. Last evaluated: 2026-01-26. Review status: criteria provided, single submitter. Criteria: Invitae Variant Classification Sherloc (09022015). Collection method: clinical testing. Allele origin: germline.

Blueprint Genetics
Classification: Likely benign. Last evaluated: 2024-11-21. Review status: criteria provided, single submitter. Criteria: ACMG Guidelines, 2015. Collection method: clinical testing. Allele origin: germline.

GeneDx
Classification: Likely benign. Last evaluated: 2019-11-26. Review status: criteria provided, single submitter. Criteria: GeneDx Variant Classification Process June 2021. Collection method: clinical testing. Allele origin: germline. Affected: yes.

Baylor Genetics
Classification: Uncertain significance for Cutis laxa, autosomal dominant 1. Last evaluated: 2018-04-25. Review status: criteria provided, single submitter. Criteria: ACMG Guidelines, 2015. Collection method: clinical testing. Allele origin: unknown. Affected: yes.
Comment: This variant was determined to be of uncertain significance according to ACMG Guidelines, 2015 [PMID:25741868].

Clinical Genetics DNA and cytogenetics Diagnostics Lab, Erasmus MC, Erasmus Medical Center
Classification: Likely benign. Review status: no assertion criteria provided. Collection method: clinical testing. Allele origin: germline. Affected: yes. Study: VKGL Data-share Consensus. Not counted in ClinVar's aggregate classification.

Genome Diagnostics Laboratory, University Medical Center Utrecht
Classification: Likely benign. Review status: no assertion criteria provided. Collection method: clinical testing. Allele origin: germline. Affected: yes. Study: VKGL Data-share Consensus. Not counted in ClinVar's aggregate classification.